The following is an entry in ClinVar:

ClinVar aggregate classification (germline): Pathogenic (1 of 4 stars; one submission).

Conditions:
Familial cancer of breast. Also called: Hereditary breast cancer; BREAST CANCER, FAMILIAL; hereditary breast carcinoma. Identifiers: Orphanet 227535, MedGen C0346153, MONDO:0016419, OMIM 114480. Disease mechanism: loss of function.

Submission:

Labcorp Genetics (formerly Invitae), Labcorp
Classification: Pathogenic for Familial cancer of breast. Last evaluated: 2022-04-26. Review status: criteria provided, single submitter. Criteria: Invitae Variant Classification Sherloc (09022015). Collection method: clinical testing. Allele origin: germline.
Comment: This sequence change creates a premature translational stop signal (p.Ser389Tyrfs*4) in the BARD1 gene. It is expected to result in an absent or disrupted protein product. Loss-of-function variants in BARD1 are known to be pathogenic (PMID: 20077502, 21344236). This variant is not present in population databases (gnomAD no frequency). This variant has not been reported in the literature in individuals affected with BARD1-related conditions. For these reasons, this variant has been classified as Pathogenic.

Literature cited by the submitters: PubMed 20077502; PubMed 21344236.

NM_000465.4(BARD1):c.1164_1189del (p.Ser389fs)

Gene: BARD1 (BRCA1 associated RING domain 1; minus strand). Cytogenetic location: 2q35.
Variant type: Deletion.
Coding change: c.1164_1189del on transcript NM_000465.4 (MANE Select); coding-DNA positions 1164 to 1189, 26 bases deleted (TAGTCTTTCACCAGGTACACCACCTT).
Protein change: p.Ser389fs; shifts the reading frame from serine 389.
Molecular consequence: frameshift variant. On other transcripts: non-coding transcript variant (2), intron variant (3).
Genome position (GRCh38, 1-based): chr2:214,780,685-214,780,710, AAGGTGGTGTACCTGGTGAAAGACTA deleted on the plus strand (TAGTCTTTCACCAGGTACACCACCTT on the coding strand, the reverse complement: BARD1 is on the minus strand); deleting any 26 consecutive bases within chr2:214,780,685-214,780,711 gives the same sequence; the c. name uses the placement nearest the transcript's 3' end. VCF-style (leftmost placement, unchanged base first): chr2-214780684-GAAGGTGGTGTACCTGGTGAAAGACTA-G. GRCh37 (hg19) VCF-style: chr2-215645408-GAAGGTGGTGTACCTGGTGAAAGACTA-G.
Other names: c.1107_1132del, p.Ser370fs (NM_001282543.2); c.159-28155_159-28130del (NM_001282548.2); c.215+16351_215+16376del (NM_001282545.2); c.364+11587_364+11612del (NM_001282549.2); short protein forms S370fs, S389fs.
Identifiers: ClinVar variation 2095792 (VCV002095792.4), dbSNP rs2469502451, ClinGen allele CA2580065620.